The following is an entry in ClinVar:

NM_000537.4(REN):c.1216C>T (p.Arg406Cys)

Gene: REN (renin; minus strand). Cytogenetic location: 1q32.1.
Variant type: single nucleotide variant.
Coding change: c.1216C>T on transcript NM_000537.4 (MANE Select); coding-DNA position 1216, C replaced by T.
Protein change: p.Arg406Cys; replaces arginine 406 with cysteine.
Molecular consequence: missense variant.
Genome position (GRCh38, 1-based): chr1:204,155,021, G>A on the plus strand (C>T on the coding strand, the complement: REN is on the minus strand). VCF-style: chr1-204155021-G-A. GRCh37 (hg19) VCF-style: chr1-204124149-G-A.
Other names: short protein forms R406C.
Identifiers: ClinVar variation 1343309 (VCV001343309.9), dbSNP rs547414447, ClinGen allele CA1344627.

ClinVar aggregate classification (germline): Uncertain significance. Review status: criteria provided, multiple submitters, no conflicts (2 of 4 stars). 6 submissions from 6 submitters: Uncertain significance (5). 1 of the submissions does not count toward it. Last evaluated 2026-01-25.

Conditions:
Hepatoblastoma. Identifiers: Orphanet 449, MedGen C0206624, MONDO:0018666, HP:0002884.
Renal tubular dysgenesis of genetic origin. Also called: PRIMITIVE RENAL TUBULE SYNDROME. Identifiers: Orphanet 97369, MedGen C5681536, MONDO:0009970, OMIM 267430.
Familial juvenile hyperuricemic nephropathy type 2 (ADTKD4). Also called: EARLY-ONSET HYPERURICEMIA, ANEMIA, AND PROGRESSIVE KIDNEY FAILURE; Autosomal Dominant Tubulointerstitial Kidney Disease – REN. Identifiers: Orphanet 217330, MedGen C2751310, MONDO:0013128, OMIM 613092.
REN-related disorder. Also called: REN-related condition.

Allele frequency attached by ClinVar (database versions not stated): ExAC 0.00007; gnomAD exomes 0.00008; gnomAD 0.00018; 1000 Genomes Project 0.00020; TOPMed 0.00022; 1000 Genomes Project 30x 0.00031.

Submissions (6):

Labcorp Genetics (formerly Invitae), Labcorp
Classification: Uncertain significance. Last evaluated: 2026-01-25. Review status: criteria provided, single submitter. Criteria: Invitae Variant Classification Sherloc (09022015). Collection method: clinical testing. Allele origin: germline.
Comment: This sequence change replaces arginine, which is basic and polar, with cysteine, which is neutral and slightly polar, at codon 406 of the REN protein (p.Arg406Cys). This variant is present in population databases (rs547414447, gnomAD 0.03%). This variant has not been reported in the literature in individuals affected with REN-related conditions. ClinVar contains an entry for this variant (Variation ID: 1343309). An algorithm developed to predict the effect of missense changes on protein structure and function (PolyPhen-2) suggests that this variant is likely to be disruptive. In summary, the available evidence is currently insufficient to determine the role of this variant in disease. Therefore, it has been classified as a Variant of Uncertain Significance.

Dasa
Classification: Uncertain significance. Last evaluated: 2025-02-28. Review status: criteria provided, single submitter. Criteria: DASA Assertion Criteria. Collection method: clinical testing. Allele origin: germline.
Comment: NM_000537.4(REN):c.1216C>T (p.Arg406Cys) is a missense variant that results in the substitution of arginine with cysteine. This variant is rare in population databases. Computational prediction algorithms are consistent with a benign effect. The currently available literature and clinical evidence are not sufficient to establish a definitive association between this variant and the reported condition. Therefore, this variant is classified as a variant of uncertain significance.

PreventionGenetics, part of Exact Sciences
Classification: Uncertain significance for REN-related condition. Last evaluated: 2024-11-18. Review status: criteria provided, single submitter. Criteria: ACMG Guidelines, 2015. Collection method: clinical testing. Allele origin: germline.
Comment: The REN c.1216C>T variant is predicted to result in the amino acid substitution p.Arg406Cys. To our knowledge, this variant has not been reported in the literature. This variant is reported in 0.031% of alleles in individuals of Latino descent in gnomAD. At this time, the clinical significance of this variant is uncertain due to the absence of conclusive functional and genetic evidence.

Fulgent Genetics
Classification: Uncertain significance for Renal tubular dysgenesis of genetic origin; Familial juvenile hyperuricemic nephropathy type 2. Last evaluated: 2024-06-04. Review status: criteria provided, single submitter. Criteria: ACMG Guidelines, 2015. Collection method: clinical testing. Allele origin: germline.

Blueprint Genetics
Classification: Uncertain significance. Last evaluated: 2021-07-22. Review status: criteria provided, single submitter. Criteria: ACMG Guidelines, 2015. Collection method: clinical testing. Allele origin: germline.

Molecular Oncology -  Human Genetics Lab, University of Sao Paulo
Classification: Likely pathogenic for Hepatoblastoma. Review status: no assertion criteria provided. Collection method: research. Allele origin: germline. Affected: yes. Not counted in ClinVar's aggregate classification.